The following is an entry in ClinVar:

ClinVar aggregate classification (germline): Uncertain significance (1 of 4 stars; one submission).

Conditions:
Hereditary cancer-predisposing syndrome. Also called: Tumor predisposition; Neoplastic Syndromes, Hereditary; Hereditary neoplastic syndrome; Hereditary Cancer Syndrome. Identifiers: Orphanet 140162, MedGen C0027672, MeSH D009386, MONDO:0015356.

gnomAD v4.1: 1 of 1,613,896 alleles (0.000062%); highest among the groups gnomAD compares: East Asian, 0.0022%; no homozygotes.

Submission:

Ambry Genetics
Classification: Uncertain significance for Hereditary cancer-predisposing syndrome. Last evaluated: 2025-07-17. Review status: criteria provided, single submitter. Criteria: Ambry Variant Classification Scheme 2023. Collection method: clinical testing. Allele origin: germline.
Comment: The p.L446P variant (also known as c.1337T>C), located in coding exon 12 of the MRE11A gene, results from a T to C substitution at nucleotide position 1337. The leucine at codon 446 is replaced by proline, an amino acid with similar properties. This amino acid position is conserved. In addition, this alteration is predicted to be deleterious by in silico analysis. Based on the available evidence, the clinical significance of this variant remains unclear.

NM_005591.4(MRE11):c.1337T>C (p.Leu446Pro)

Gene: MRE11 (MRE11 double strand break repair nuclease; minus strand). Cytogenetic location: 11q21.
Variant type: single nucleotide variant.
Coding change: c.1337T>C on transcript NM_005591.4 (MANE Select); coding-DNA position 1337, T replaced by C.
Protein change: p.Leu446Pro; replaces leucine 446 with proline.
Molecular consequence: missense variant.
Genome position (GRCh38, 1-based): chr11:94,459,571, A>G on the plus strand (T>C on the coding strand, the complement: MRE11 is on the minus strand). VCF-style: chr11-94459571-A-G. GRCh37 (hg19) VCF-style: chr11-94192737-A-G.
Other names: c.1337T>C, p.Leu446Pro (NM_001440469.1, NM_001440470.1, NM_001440474.1 and 15 more transcripts); c.1262T>C, p.Leu421Pro (NM_001440471.1, NM_001440472.1, NM_001440479.1); c.1256T>C, p.Leu419Pro (NM_001440473.1, NM_001440477.1, NM_001440478.1); c.992T>C, p.Leu331Pro (NM_001440482.1, NM_001440483.1, NM_001440484.1); c.869T>C, p.Leu290Pro (NM_001440485.1, NM_001440486.1, NM_001440487.1); short protein forms L331P, L446P, L290P, L421P, L419P.
Identifiers: ClinVar variation 4110088 (VCV004110088.1).
Genomic context (GRCh38, chr11:94,459,571, plus strand): 5'-TCCTCCTTGTCCACAAATTCTTGTACTGCTTCACCCATCCCTCTTTCTGTTAGCAGTGAG[A>G]GCTGCACATTCTGTAAGATACAAATCACTGGATGCAGAAATAGTTTTTATTCCTTACAAA-3'
Protein context (NP_005582.1, residues 436-456): YFQTAEKNVQ[Leu446Pro]SLLTERGMGE